The following is an entry in ClinVar:

NM_000088.4(COL1A1):c.2372G>C (p.Gly791Ala)

Gene: COL1A1 (collagen type I alpha 1 chain; minus strand). Cytogenetic location: 17q21.33.
Variant type: single nucleotide variant.
Coding change: c.2372G>C on transcript NM_000088.4 (MANE Select); coding-DNA position 2372, G replaced by C.
Protein change: p.Gly791Ala; replaces glycine 791 with alanine.
Molecular consequence: missense variant.
Genome position (GRCh38, 1-based): chr17:50,190,568, C>G on the plus strand (G>C on the coding strand, the complement: COL1A1 is on the minus strand). VCF-style: chr17-50190568-C-G. GRCh37 (hg19) VCF-style: chr17-48267929-C-G.
Other names: short protein forms G791A.
Identifiers: ClinVar variation 2748270 (VCV002748270.3), dbSNP rs2509192021, ClinGen allele CA400208136.

ClinVar aggregate classification (germline): Pathogenic (1 of 4 stars; one submission).

Conditions:
Osteogenesis imperfecta type I (OI1). Also called: Lobstein's Disease; Lobstein disease; OI, TYPE I; OSTEOGENESIS IMPERFECTA TARDA; OSTEOGENESIS IMPERFECTA WITH BLUE SCLERAE; Osteogenesis imperfecta type 1. Identifiers: Orphanet 216796, Orphanet 666, MedGen C0023931, MONDO:0008146, OMIM 166200. Disease mechanism: loss of function.

Submission:

Labcorp Genetics (formerly Invitae), Labcorp
Classification: Pathogenic for Osteogenesis imperfecta type I. Last evaluated: 2023-07-29. Review status: criteria provided, single submitter. Criteria: Invitae Variant Classification Sherloc (09022015). Collection method: clinical testing. Allele origin: germline.
Comment: Advanced modeling of protein sequence and biophysical properties (such as structural, functional, and spatial information, amino acid conservation, physicochemical variation, residue mobility, and thermodynamic stability) performed at Invitae indicates that this missense variant is expected to disrupt COL1A1 protein function. This sequence change replaces glycine, which is neutral and non-polar, with alanine, which is neutral and non-polar, at codon 791 of the COL1A1 protein (p.Gly791Ala). This variant is not present in population databases (gnomAD no frequency). This missense change has been observed in individual(s) with osteogenesis imperfecta (Invitae). This variant disrupts the triple helix domain of COL1A1. Glycine residues within the Gly-Xaa-Yaa repeats of the triple helix domain are required for the structure and stability of fibrillar collagens (PMID: 7695699, 8218237, 19344236). In COL1A1, variants affecting these glycine residues are significantly enriched in individuals with disease (PMID: 9016532, 17078022) compared to the general population (ExAC). For these reasons, this variant has been classified as Pathogenic.

Literature cited by the submitters: PubMed 7695699; PubMed 8218237; PubMed 19344236; PubMed 9016532; PubMed 17078022.